The following is an entry in ClinVar:

ClinVar aggregate classification (germline): Uncertain significance. Review status: criteria provided, multiple submitters, no conflicts (2 of 4 stars). 4 submissions from 4 submitters: Uncertain significance (4). Last evaluated 2022-12-27.

Conditions:
Hypertrophic cardiomyopathy. Also called: HYPERTROPHIC MYOCARDIOPATHY. Identifiers: Orphanet 217569, MedGen C0007194, MeSH D002312, MONDO:0005045, HP:0001639.

Submissions (4):

Blueprint Genetics
Classification: Uncertain significance. Last evaluated: 2022-12-27. Review status: criteria provided, single submitter. Criteria: ACMG Guidelines, 2015. Collection method: clinical testing. Allele origin: germline.

Labcorp Genetics (formerly Invitae), Labcorp
Classification: Uncertain significance for Hypertrophic cardiomyopathy. Last evaluated: 2021-10-28. Review status: criteria provided, single submitter. Criteria: Invitae Variant Classification Sherloc (09022015). Collection method: clinical testing. Allele origin: germline.
Comment: ClinVar contains an entry for this variant (Variation ID: 43077). Algorithms developed to predict the effect of missense changes on protein structure and function are either unavailable or do not agree on the potential impact of this missense change (SIFT: "Deleterious"; PolyPhen-2: "Possibly Damaging"; Align-GVGD: "Class C0"). This variant is found within a region of MYH7 between codons 181 and 937 that contains the majority of the myosin head domain. Missense variants in this region have been shown to be significantly overrepresented in individuals with hypertrophic cardiomyopathy (PMID: 27532257). In summary, the available evidence is currently insufficient to determine the role of this variant in disease. Therefore, it has been classified as a Variant of Uncertain Significance. This sequence change replaces asparagine, which is neutral and polar, with serine, which is neutral and polar, at codon 187 of the MYH7 protein (p.Asn187Ser). This variant is not present in population databases (gnomAD no frequency). This missense change has been observed in individual(s) with hypertrophic caardiomyopathy (PMID: 27247418).

Laboratory for Molecular Medicine, Mass General Brigham Personalized Medicine
Classification: Uncertain significance. Last evaluated: 2017-01-25. Review status: criteria provided, single submitter. Criteria: LMM Criteria. Collection method: clinical testing. Allele origin: germline. Inheritance: Autosomal dominant inheritance. Observed: 1 variant allele.
Comment: proposed classification - variant undergoing re-assessment, contact laboratory

Stanford Center for Inherited Cardiovascular Disease, Stanford University
Classification: Uncertain significance. Last evaluated: 2015-05-27. Review status: criteria provided, single submitter. Criteria: ACMG Guidelines, 2015. Collection method: provider interpretation. Allele origin: germline.

Literature cited by the submitters: PubMed 27532257 (cited by Labcorp Genetics (formerly Invitae), Labcorp); PubMed 27247418 (cited by Labcorp Genetics (formerly Invitae), Labcorp and Laboratory for Molecular Medicine, Mass General Brigham Personalized Medicine).

NM_000257.4(MYH7):c.560A>G (p.Asn187Ser)

Gene: MYH7 (myosin heavy chain 7; minus strand). Cytogenetic location: 14q11.2.
Variant type: single nucleotide variant.
Coding change: c.560A>G on transcript NM_000257.4 (MANE Select); coding-DNA position 560, A replaced by G.
Protein change: p.Asn187Ser; replaces asparagine 187 with serine.
Molecular consequence: missense variant.
Genome position (GRCh38, 1-based): chr14:23,431,840, T>C on the plus strand (A>G on the coding strand, the complement: MYH7 is on the minus strand). VCF-style: chr14-23431840-T-C. GRCh37 (hg19) VCF-style: chr14-23901049-T-C.
Other names: short protein forms N187S.
Identifiers: ClinVar variation 43077 (VCV000043077.12), dbSNP rs397516249, ClinGen allele CA016308.
Genomic context (GRCh38, chr14:23,431,840, plus strand): 5'-TTCTTGCTGCGGTCCCCAATGGCTGCAATAACAGCAAAGTACTGGATGACCCTCTTGGTG[T>C]TGACTGTCTTCCCTGCTCCGGATTCTCCGCTGTGAAGACAGGGGCTTATTGGGCAGTGAA-3'
Protein context (NP_000248.2, residues 177-197): TGESGAGKTV[Asn187Ser]TKRVIQYFAV